The following is an entry in ClinVar:

ClinVar aggregate classification (germline): Uncertain significance. Review status: criteria provided, multiple submitters, no conflicts (2 of 4 stars). 5 submissions from 5 submitters: Uncertain significance (5). Last evaluated 2024-08-28.

Conditions:
Cardiovascular phenotype. Identifiers: MedGen CN230736.
Cardiomyopathy (CMYO). Also called: Cardiomyopathies. Identifiers: Orphanet 167848, MedGen C0878544, MONDO:0004994, HP:0001638. Inheritance: Various modes of inheritance.
Arrhythmogenic right ventricular dysplasia 5. Also called: Arrhythmogenic Right Ventricular Dysplasia/Cardiomyopathy 5; ARRHYTHMOGENIC RIGHT VENTRICULAR DYSPLASIA, FAMILIAL, 5. Identifiers: MedGen C1858379, MONDO:0011459, OMIM 604400.

Allele frequency attached by ClinVar (database versions not stated): gnomAD 0.00001; gnomAD exomes 0.00001; TOPMed 0.00001.
gnomAD v4.1: 13 of 1,614,078 alleles (0.00081%); highest among the groups gnomAD compares: Non-Finnish European, 0.0011%; no homozygotes.

Submissions (5):

Labcorp Genetics (formerly Invitae), Labcorp
Classification: Uncertain significance for Arrhythmogenic right ventricular dysplasia 5. Last evaluated: 2024-08-28. Review status: criteria provided, single submitter. Criteria: Invitae Variant Classification Sherloc (09022015). Collection method: clinical testing. Allele origin: germline.
Comment: This sequence change replaces serine, which is neutral and polar, with leucine, which is neutral and non-polar, at codon 177 of the TMEM43 protein (p.Ser177Leu). This variant is not present in population databases (gnomAD no frequency). This variant has not been reported in the literature in individuals affected with TMEM43-related conditions. ClinVar contains an entry for this variant (Variation ID: 856596). Invitae Evidence Modeling of protein sequence and biophysical properties (such as structural, functional, and spatial information, amino acid conservation, physicochemical variation, residue mobility, and thermodynamic stability) indicates that this missense variant is expected to disrupt TMEM43 protein function with a positive predictive value of 80%. In summary, the available evidence is currently insufficient to determine the role of this variant in disease. Therefore, it has been classified as a Variant of Uncertain Significance.

Ambry Genetics
Classification: Uncertain significance for Cardiovascular phenotype. Last evaluated: 2024-05-21. Review status: criteria provided, single submitter. Criteria: Ambry Variant Classification Scheme 2023. Collection method: clinical testing. Allele origin: germline.
Comment: The p.S177L variant (also known as c.530C>T), located in coding exon 7 of the TMEM43 gene, results from a C to T substitution at nucleotide position 530. The serine at codon 177 is replaced by leucine, an amino acid with dissimilar properties. This amino acid position is conserved. In addition, the in silico prediction for this alteration is inconclusive. Based on the available evidence, the clinical significance of this variant remains unclear.

Color Diagnostics, LLC DBA Color Health
Classification: Uncertain significance for Cardiomyopathy. Last evaluated: 2024-03-07. Review status: criteria provided, single submitter. Criteria: ACMG Guidelines, 2015. Collection method: clinical testing. Allele origin: germline.
Comment: This missense variant replaces serine with leucine at codon 177 of the TMEM43 protein. Computational prediction suggests that this variant may not impact protein structure and function (internally defined REVEL score threshold <= 0.5, PMID: 27666373). To our knowledge, functional studies have not been reported for this variant. This variant has not been reported in individuals affected with TMEM43-related disorders in the literature. This variant has not been identified in the general population by the Genome Aggregation Database (gnomAD). The available evidence is insufficient to determine the role of this variant in disease conclusively. Therefore, this variant is classified as a Variant of Uncertain Significance.

All of Us Research Program, National Institutes of Health
Classification: Uncertain significance for Arrhythmogenic right ventricular dysplasia 5. Last evaluated: 2023-08-15. Review status: criteria provided, single submitter. Criteria: ACMG Guidelines, 2015. Collection method: clinical testing. Allele origin: germline. Inheritance: Autosomal dominant inheritance. Observed: 3 variant alleles, 3 heterozygotes.
Comment: Variant of Uncertain Significance due to insufficient evidence: This missense variant replaces serine with leucine at codon 177 of the TMEM43 protein. Computational prediction tools and conservation analyses are inconclusive regarding the impact of this variant on the protein function. Computational splicing tools suggest that this variant may not impact RNA splicing. To our knowledge, functional assays have not been performed for this variant nor has this variant been reported in individuals affected with cardiovascular disorders in the literature. This variant is rare in the general population and has been identified in 0/277264 chromosomes by the Genome Aggregation Database (gnomAD). Available evidence is insufficient to determine the role of this variant in disease conclusively.

This study involves interpretation of variants in research participants for the purpose of population health screening. Participant phenotype was not available at the time of variant classification. Additional details can be found in publication PMID: 35346344, PMCID: PMC8962531

GeneDx
Classification: Uncertain significance. Last evaluated: 2020-11-30. Review status: criteria provided, single submitter. Criteria: GeneDx Variant Classification Process June 2021. Collection method: clinical testing. Allele origin: germline. Affected: yes.
Comment: Not observed in large population cohorts (Lek et al., 2016); In silico analysis supports that this missense variant has a deleterious effect on protein structure/function; Has not been previously published as pathogenic or benign to our knowledge

NM_024334.3(TMEM43):c.530C>T (p.Ser177Leu)

Gene: TMEM43 (transmembrane protein 43; plus strand). Cytogenetic location: 3p25.1.
Variant type: single nucleotide variant.
Coding change: c.530C>T on transcript NM_024334.3 (MANE Select); coding-DNA position 530, C replaced by T.
Protein change: p.Ser177Leu; replaces serine 177 with leucine.
Molecular consequence: missense variant.
Genome position (GRCh38, 1-based): chr3:14,133,756, C>T. VCF-style: chr3-14133756-C-T. GRCh37 (hg19) VCF-style: chr3-14175256-C-T.
Other names: short protein forms S177L.
Identifiers: ClinVar variation 856596 (VCV000856596.17), dbSNP rs1167948235, ClinGen allele CA351535304.